The following is an entry in ClinVar:

ClinVar aggregate classification (germline): Benign/Likely benign. Review status: criteria provided, multiple submitters, no conflicts (2 of 4 stars). 6 submissions from 6 submitters: Benign (5); Likely benign (1). Last evaluated 2026-02-04.

Conditions:
SKIC3-related disorder. Also called: SKIC3-related condition.
Trichohepatoenteric syndrome 1 (THES1). Also called: DIARRHEA, FATAL INFANTILE, WITH TRICHORRHEXIS NODOSA. Identifiers: Orphanet 84064, MedGen C4551982, MONDO:0024541, OMIM 222470.

Allele frequency attached by ClinVar (database versions not stated): ESP Exome Variant Server 0.00038; gnomAD exomes 0.00065 and 0.00325; gnomAD 0.00135 and 0.00175; TOPMed 0.00170; ExAC 0.00288; 1000 Genomes Project 30x 0.00937; 1000 Genomes Project 0.00978.
gnomAD v4.1: 1,377 of 1,613,434 alleles (0.085%); highest among the groups gnomAD compares: East Asian, 2.3%; 20 homozygotes.

Submissions (6):

Labcorp Genetics (formerly Invitae), Labcorp
Classification: Benign. Last evaluated: 2026-02-04. Review status: criteria provided, single submitter. Criteria: Invitae Variant Classification Sherloc (09022015). Collection method: clinical testing. Allele origin: germline.

PreventionGenetics, part of Exact Sciences
Classification: Benign for SKIC3-related condition. Last evaluated: 2024-11-10. Review status: criteria provided, single submitter. Criteria: ACMG Guidelines, 2015. Collection method: clinical testing. Allele origin: germline.
Comment: This variant is classified as benign based on ACMG/AMP sequence variant interpretation guidelines (Richards et al. 2015 PMID: 25741868, with internal and published modifications).

Mayo Clinic Laboratories, Mayo Clinic
Classification: Benign. Last evaluated: 2024-09-04. Review status: criteria provided, single submitter. Criteria: ACMG Guidelines, 2015. Collection method: clinical testing. Allele origin: germline. Observed: 2 variant alleles.
Comment: BS1, BS2, BP4

ARUP Laboratories, Molecular Genetics and Genomics, ARUP Laboratories
Classification: Benign. Last evaluated: 2024-08-16. Review status: criteria provided, single submitter. Criteria: ARUP Molecular Germline Variant Investigation Process 2024. Collection method: clinical testing. Allele origin: germline.

Fulgent Genetics
Classification: Likely benign for Trichohepatoenteric syndrome 1. Last evaluated: 2022-03-17. Review status: criteria provided, single submitter. Criteria: ACMG Guidelines, 2015. Collection method: clinical testing. Allele origin: unknown.

Eurofins Ntd Llc (ga)
Classification: Benign. Last evaluated: 2014-10-14. Review status: criteria provided, single submitter. Criteria: EGL Classification Definitions 2015. Collection method: clinical testing. Allele origin: germline.

NM_014639.4(SKIC3):c.1427C>G (p.Thr476Arg)

Gene: SKIC3 (SKI3 subunit of superkiller complex; minus strand). Cytogenetic location: 5q15.
Variant type: single nucleotide variant.
Coding change: c.1427C>G on transcript NM_014639.4 (MANE Select); coding-DNA position 1427, C replaced by G.
Protein change: p.Thr476Arg; replaces threonine 476 with arginine.
Molecular consequence: missense variant.
Genome position (GRCh38, 1-based): chr5:95,524,490, G>C on the plus strand (C>G on the coding strand, the complement: SKIC3 is on the minus strand). VCF-style: chr5-95524490-G-C. GRCh37 (hg19) VCF-style: chr5-94860194-G-C.
Other names: p.Thr476Arg; short protein forms T476R.
Identifiers: ClinVar variation 194654 (VCV000194654.26), dbSNP rs148648401, ClinGen allele CA201285.
Genomic context (GRCh38, chr5:95,524,490, plus strand): 5'-TTCAACTAGGAATTGAATTGTAGCACTTGCTTTACCTTCAGAAAGTGGGTAAGAGCCTTT[G>C]TTTTATCTTTTCTTGTCTCTTCACCCATGAACCAGTATGTTAATCCAAGTTGGTAATGAT-3'
Protein context (NP_055454.1, residues 466-486): FMGEETRKDK[Thr476Arg]KALTHFLKAA